The following is an entry in ClinVar:

NM_000097.7(CPOX):c.1196A>G (p.Tyr399Cys)

Gene: CPOX (coproporphyrinogen oxidase; minus strand). Cytogenetic location: 3q11.2.
Variant type: single nucleotide variant.
Coding change: c.1196A>G on transcript NM_000097.7 (MANE Select); coding-DNA position 1196, A replaced by G.
Protein change: p.Tyr399Cys; replaces tyrosine 399 with cysteine.
Molecular consequence: missense variant.
Genome position (GRCh38, 1-based): chr3:98,581,488, T>C on the plus strand (A>G on the coding strand, the complement: CPOX is on the minus strand). VCF-style: chr3-98581488-T-C. GRCh37 (hg19) VCF-style: chr3-98300332-T-C.
Other names: short protein forms Y399C.
Identifiers: ClinVar variation 1431929 (VCV001431929.8), dbSNP rs901308313, ClinGen allele CA80082590.
Genomic context (GRCh38, chr3:98,581,488, plus strand): 5'-ATCAAGATACTTTCAATTCTGGATCCTGGAGTGAAGAGGCCAAACTTTGTGCCCCGATCA[T>C]ACAGCAGATTAAATTCTACATACCTGCCATAAATACATCAAATAACATTAAGGGCCAGCT-3'
Protein context (NP_000088.3, residues 389-409): RGRYVEFNLL[Tyr399Cys]DRGTKFGLFT

ClinVar aggregate classification (germline): Uncertain significance (1 of 4 stars; one submission).

Allele frequency attached by ClinVar (database versions not stated): gnomAD exomes 0.00001 and 0.00002; TOPMed 0.00002.
gnomAD v4.1: 7 of 1,613,870 alleles (0.00043%); highest among the groups gnomAD compares: Admixed American, 0.01%; no homozygotes.

Submission:

Labcorp Genetics (formerly Invitae), Labcorp
Classification: Uncertain significance. Last evaluated: 2026-01-05. Review status: criteria provided, single submitter. Criteria: Invitae Variant Classification Sherloc (09022015). Collection method: clinical testing. Allele origin: germline.
Comment: This sequence change replaces tyrosine, which is neutral and polar, with cysteine, which is neutral and slightly polar, at codon 399 of the CPOX protein (p.Tyr399Cys). The frequency data for this variant in the population databases is considered unreliable, as metrics indicate poor data quality at this position in the gnomAD database. This variant has not been reported in the literature in individuals affected with CPOX-related conditions. ClinVar contains an entry for this variant (Variation ID: 1431929). Invitae Evidence Modeling of protein sequence and biophysical properties (such as structural, functional, and spatial information, amino acid conservation, physicochemical variation, residue mobility, and thermodynamic stability) has been performed for this missense variant. However, the output from this modeling did not meet the statistical confidence thresholds required to predict the impact of this variant on CPOX protein function. In summary, the available evidence is currently insufficient to determine the role of this variant in disease. Therefore, it has been classified as a Variant of Uncertain Significance.